The following is an entry in ClinVar:

ClinVar aggregate classification (germline): Uncertain significance (1 of 4 stars; one submission).

Conditions:
Neurofibromatosis, type 1 (NF1). Also called: NEUROFIBROMATOSIS, TYPE I, SOMATIC; VON RECKLINGHAUSEN DISEASE; Peripheral type neurofibromatosis; Neurofibromatosis, type I. Identifiers: Orphanet 636, MedGen C0027831, MONDO:0018975, OMIM 162200. Disease mechanism: loss of function.

Submission:

Labcorp Genetics (formerly Invitae), Labcorp
Classification: Uncertain significance for Neurofibromatosis, type 1. Last evaluated: 2021-08-10. Review status: criteria provided, single submitter. Criteria: Invitae Variant Classification Sherloc (09022015). Collection method: clinical testing. Allele origin: germline.
Comment: In summary, the available evidence is currently insufficient to determine the role of this variant in disease. Therefore, it has been classified as a Variant of Uncertain Significance. Advanced modeling of protein sequence and biophysical properties (such as structural, functional, and spatial information, amino acid conservation, physicochemical variation, residue mobility, and thermodynamic stability) performed at Invitae indicates that this missense variant is expected to disrupt NF1 protein function. This variant has not been reported in the literature in individuals affected with NF1-related conditions. This variant is not present in population databases (ExAC no frequency). This sequence change replaces glutamine with arginine at codon 1574 of the NF1 protein (p.Gln1574Arg). The glutamine residue is moderately conserved and there is a small physicochemical difference between glutamine and arginine.

NM_001042492.3(NF1):c.4784A>G (p.Gln1595Arg)

Gene: NF1 (neurofibromin 1; plus strand). Cytogenetic location: 17q11.2.
Variant type: single nucleotide variant.
Coding change: c.4784A>G on transcript NM_001042492.3 (MANE Select); coding-DNA position 4784, A replaced by G.
Protein change: p.Gln1595Arg; replaces glutamine 1595 with arginine.
Molecular consequence: missense variant.
Genome position (GRCh38, 1-based): chr17:31,265,288, A>G. VCF-style: chr17-31265288-A-G. GRCh37 (hg19) VCF-style: chr17-29592306-A-G.
Other names: c.4721A>G, p.Gln1574Arg (NM_000267.4); short protein forms Q1574R, Q1595R.
Identifiers: ClinVar variation 1461215 (VCV001461215.6), dbSNP rs2151470206, ClinGen allele CA399001285.
Genomic context (GRCh38, chr17:31,265,288, plus strand): 5'-GGCATCAGGTACATGAAAAAGAAGAATTCAAGGCTTTGAAAACGTTAAGTATTTTCTACC[A>G]AGCTGGGACTTCCAAAGCTGGGAATCCTATTTTTTATTATGTTGCACGGAGGTAAGAAAT-3'
Protein context (NP_001035957.1, residues 1585-1605): KALKTLSIFY[Gln1595Arg]AGTSKAGNPI